The following is an entry in ClinVar:

ClinVar aggregate classification (germline): Conflicting classifications of pathogenicity. Review status: criteria provided, conflicting classifications (1 of 4 stars). 2 submissions from 2 submitters: Uncertain significance (1); Likely benign (1). Last evaluated 2025-05-09.

Conditions:
Fanconi anemia complementation group A (FANCA). Also called: Fanconi anemia, group A; FANCA-Related Fanconi Anemia. Identifiers: Orphanet 84, MedGen C3469521, MONDO:0009215, OMIM 227650.
Fanconi anemia (FA). Also called: Fanconi's anemia. Identifiers: Orphanet 84, MedGen C0015625, MeSH D005199, MONDO:0019391.

gnomAD v4.1: 2 of 1,614,196 alleles (0.00012%); highest among the groups gnomAD compares: East Asian, 0.0022%; no homozygotes.

Submissions (2):

Labcorp Genetics (formerly Invitae), Labcorp
Classification: Likely benign for Fanconi anemia. Last evaluated: 2025-05-09. Review status: criteria provided, single submitter. Criteria: Invitae Variant Classification Sherloc (09022015). Collection method: clinical testing. Allele origin: germline.

Baylor Genetics
Classification: Uncertain significance for Fanconi anemia complementation group A. Last evaluated: 2019-01-24. Review status: criteria provided, single submitter. Criteria: ACMG Guidelines, 2015. Collection method: clinical testing. Allele origin: maternal. Affected: yes.
Comment: This variant was determined to be of uncertain significance according to ACMG Guidelines, 2015 [PMID:25741868].

NM_000135.4(FANCA):c.4168-4C>T

Genes: ZNF276 (zinc finger protein 276; plus strand), FANCA (FA complementation group A; minus strand). Cytogenetic location: 16q24.3.
Variant type: single nucleotide variant.
Coding change: c.4168-4C>T on transcript NM_000135.4 (MANE Select); 4 bases into the intron before coding-DNA position 4168, C replaced by T.
Molecular consequence: intron variant. On other transcripts: 3 prime UTR variant (2), non-coding transcript variant (4).
Genome position (GRCh38, 1-based): chr16:89,738,978, G>A on the plus strand (C>T on the coding strand, the complement: FANCA is on the minus strand). VCF-style: chr16-89738978-G-A. GRCh37 (hg19) VCF-style: chr16-89805386-G-A.
Other names: c.*732G>A (NM_001113525.2, NM_152287.4); c.4172-4C>T (NM_001286167.3).
Identifiers: ClinVar variation 1029662 (VCV001029662.9), dbSNP rs775180524, ClinGen allele CA2241889468.